The following is an entry in ClinVar:

ClinVar aggregate classification (germline): Uncertain significance. Review status: criteria provided, multiple submitters, no conflicts (2 of 4 stars). 2 submissions from 2 submitters: Uncertain significance (2). Last evaluated 2025-08-08.

Conditions:
Emery-Dreifuss muscular dystrophy (EDMD). Also called: Scapuloperoneal syndrome, X-linked (formerly); Humeroperoneal neuromuscular disease, (formerly). Identifiers: Orphanet 261, MedGen C0410189, MONDO:0016830.

Allele frequency attached by ClinVar (database versions not stated): ExAC 0.00005; gnomAD exomes 0.00007 and 0.00003; ESP Exome Variant Server 0.00008; gnomAD 0.00003 and 0.00004; TOPMed 0.00004.
gnomAD v4.1: 105 of 1,590,394 alleles (0.0066%); highest among the groups gnomAD compares: Admixed American, 0.02%; no homozygotes.

Submissions (2):

Ambry Genetics
Classification: Uncertain significance. Last evaluated: 2025-08-08. Review status: criteria provided, single submitter. Criteria: Ambry Variant Classification Scheme 2023. Collection method: clinical testing. Allele origin: germline.

Labcorp Genetics (formerly Invitae), Labcorp
Classification: Uncertain significance for Emery-Dreifuss muscular dystrophy. Last evaluated: 2024-10-10. Review status: criteria provided, single submitter. Criteria: Invitae Variant Classification Sherloc (09022015). Collection method: clinical testing. Allele origin: germline.
Comment: This sequence change replaces methionine, which is neutral and non-polar, with valine, which is neutral and non-polar, at codon 743 of the SUN1 protein (p.Met743Val). This variant is present in population databases (rs368333285, gnomAD 0.02%). This variant has not been reported in the literature in individuals affected with SUN1-related conditions. ClinVar contains an entry for this variant (Variation ID: 461652). An algorithm developed to predict the effect of missense changes on protein structure and function (PolyPhen-2) suggests that this variant is likely to be tolerated. In summary, the available evidence is currently insufficient to determine the role of this variant in disease. Therefore, it has been classified as a Variant of Uncertain Significance.

NM_001130965.3(SUN1):c.2227A>G (p.Met743Val)

Gene: SUN1 (Sad1 and UNC84 domain containing 1; plus strand). Cytogenetic location: 7p22.3.
Variant type: single nucleotide variant.
Coding change: c.2227A>G on transcript NM_001130965.3 (MANE Select); coding-DNA position 2227, A replaced by G.
Protein change: p.Met743Val; replaces methionine 743 with valine.
Molecular consequence: missense variant. On other transcripts: non-coding transcript variant (3), intron variant (12).
Genome position (GRCh38, 1-based): chr7:872,548, A>G. VCF-style: chr7-872548-A-G. GRCh37 (hg19) VCF-style: chr7-912185-A-G.
Other names: c.1918A>G, p.Met640Val (NM_001171944.2); c.2227A>G, p.Met743Val (NM_001367633.1, NM_001367634.1); c.1876A>G, p.Met626Val (NM_001367635.1); c.2335A>G, p.Met779Val (NM_001367638.1); c.1768A>G, p.Met590Val (NM_001367639.1); c.2407A>G, p.Met803Val (NM_001367640.1); c.2509A>G, p.Met837Val (NM_001367641.1); c.2212A>G, p.Met738Val (NM_001367642.1); and 55 more; short protein forms M743V, M554V, M682V, M693V, M717V, M720V, M721V, M787V.
Identifiers: ClinVar variation 461652 (VCV000461652.9), dbSNP rs368333285, ClinGen allele CA4112522.
Genomic context (GRCh38, chr7:872,548, plus strand): 5'-CAGGAAGAAGGGCAGCTTCTGGGACAGTTCACGTATGATCAGGATGGGGAGTCGCTCCAG[A>G]TGTTCCAGGCCCTGGTAAGAACTGGGACTGGCACTGCCTGGGGTCTCTGAGTCCCACAAC-3'
Protein context (NP_001124437.1, residues 733-753): TYDQDGESLQ[Met743Val]FQALKRPDDT